The following is an entry in ClinVar:

NM_000135.4(FANCA):c.3094C>T (p.Gln1032Ter)

Gene: FANCA (FA complementation group A; minus strand). Cytogenetic location: 16q24.3.
Variant type: single nucleotide variant.
Coding change: c.3094C>T on transcript NM_000135.4 (MANE Select); coding-DNA position 3094, C replaced by T.
Protein change: p.Gln1032Ter; replaces glutamine 1032 with a stop codon.
Molecular consequence: nonsense.
Genome position (GRCh38, 1-based): chr16:89,749,875, G>A on the plus strand (C>T on the coding strand, the complement: FANCA is on the minus strand). VCF-style: chr16-89749875-G-A. GRCh37 (hg19) VCF-style: chr16-89816283-G-A.
Other names: c.3094C>T, p.Gln1032Ter (NM_001286167.3); short protein forms Q1032*.
Identifiers: ClinVar variation 5012738 (VCV005012738.1).

ClinVar aggregate classification (germline): Pathogenic (1 of 4 stars; one submission).

Conditions:
Fanconi anemia complementation group A (FANCA). Also called: Fanconi anemia, group A; FANCA-Related Fanconi Anemia. Identifiers: Orphanet 84, MedGen C3469521, MONDO:0009215, OMIM 227650.

Submission:

Myriad Genetics, Inc.
Classification: Pathogenic for Fanconi anemia complementation group A. Last evaluated: 2024-02-14. Review status: criteria provided, single submitter. Criteria: Myriad Autosomal Dominant, Autosomal Recessive and X-Linked Classification Criteria (2023). Collection method: clinical testing. Allele origin: unknown.
Comment: NM_000135.2(FANCA):c.3094C>T(Q1032*) is expected to be pathogenic in the context of Fanconi anemia complementation group A. This variant is predicted to lead to an abnormal or absent protein product due to the creation of a premature termination codon in FANCA, a gene where loss-of-function variants are known to be pathogenic. Please note: this variant was assessed in the context of healthy population screening.